The following is an entry in ClinVar:

NM_030632.3(ASXL3):c.6335T>A (p.Leu2112Ter)

Gene: ASXL3 (ASXL transcriptional regulator 3; plus strand). Cytogenetic location: 18q12.1.
Variant type: single nucleotide variant.
Coding change: c.6335T>A on transcript NM_030632.3 (MANE Select); coding-DNA position 6335, T replaced by A.
Protein change: p.Leu2112Ter; replaces leucine 2112 with a stop codon.
Molecular consequence: nonsense.
Genome position (GRCh38, 1-based): chr18:33,746,183, T>A. VCF-style: chr18-33746183-T-A. GRCh37 (hg19) VCF-style: chr18-31326147-T-A.
Other names: short protein forms L2112*.
Identifiers: ClinVar variation 1341743 (VCV001341743.1), dbSNP rs2145435948, ClinGen allele CA402196646.

ClinVar aggregate classification (germline): Uncertain significance (1 of 4 stars; one submission).

Conditions:
Bainbridge-Ropers syndrome. Also called: Severe feeding difficulties-failure to thrive-microcephaly due to ASXL3 deficiency syndrome. Identifiers: Orphanet 352577, MedGen C4750837, MONDO:0014205, OMIM 615485.

Submission:

New York Genome Center
Classification: Uncertain significance for Bainbridge-Ropers syndrome. Last evaluated: 2021-07-09. Review status: criteria provided, single submitter. Criteria: NYGC Assertion Criteria 2020. Collection method: clinical testing. Allele origin: germline. Observed: 1 heterozygote. Study: CSER-NYCKidSeq.
Comment: The heterozygous stop-gained variant c.6335T>A (p.Leu2112Ter) identified in the ASXL3 has not been reported in affected individuals in the literature. The variant is absent from the gnomAD(v3) database suggesting it is not a common benign variant in the populations represented in that database. The p.Leu2112Terstop-gained variant is located in the last exon (12/12) of the ASXL3 gene and is predicted to escape nonsense mediated mRNA decay. If translated, the mutant proteinwould lack the last 136 amino acids compared to the full length 2248-amino acid protein. Although the mutant protein would lack the C-terminal predicted PHD domain encoded by amino acids 2183 to 2246, the precise function of PHD domain is currently unknown. A frameshift variant [c.6697_6710dup14 (p.Ser2238Thrfs*3)] downstream of the stop-gained observed in this individual has been reported in a patient with clinical features of intellectual disability, severe behavioral problems,autism spectrum disorder, and late-onset epilepsy [PMID: 29628764]. However, no functional studies were performed to evaluate the functional consequences of that frameshift variant [PMID: 29628764]. Due to the lack of compelling evidence for its pathogenicity, the heterozygous stop-gained variant c.6335T>A(p.Leu2112Ter) identified in the ASXL3 is reported as a Variant of Uncertain Significance.